The following is an entry in ClinVar:

ClinVar aggregate classification (germline): Uncertain significance (1 of 4 stars; one submission).

Conditions:
Retinoblastoma (RB1). Also called: RETINOBLASTOMA, SOMATIC. Identifiers: Orphanet 790, MedGen C0035335, MeSH D012175, MONDO:0008380, OMIM 180200, HP:0009919. Disease mechanism: loss of function. Inheritance: Both sporadic and heritable forms are tested..

Submission:

Genetic Diagnostic Laboratory, University of Pennsylvania School of Medicine
Classification: Uncertain significance for Retinoblastoma. Last evaluated: 2024-05-20. Review status: criteria provided, single submitter. Criteria: ACMG Guidelines, 2015. Collection method: clinical testing. Allele origin: germline. Affected: yes. Observed: 1 variant allele.
Comment: Case and Pedigree Information: BILATERAL CASES:1, UNILATERAL CASES:0, TOTAL CASES:1, PEDIGREES:1. ACMG Codes Applied:PM1, PM2, PP3

NM_000321.3(RB1):c.1688G>C (p.Trp563Ser)

Gene: RB1 (RB transcriptional corepressor 1; plus strand). Cytogenetic location: 13q14.2.
Variant type: single nucleotide variant.
Coding change: c.1688G>C on transcript NM_000321.3 (MANE Select); coding-DNA position 1688, G replaced by C.
Protein change: p.Trp563Ser; replaces tryptophan 563 with serine.
Molecular consequence: missense variant.
Genome position (GRCh38, 1-based): chr13:48,381,436, G>C. VCF-style: chr13-48381436-G-C. GRCh37 (hg19) VCF-style: chr13-48955572-G-C.
Other names: c.1688G>C, p.Trp563Ser (NM_001407165.1, NM_001407166.1); short protein forms W563S.
Identifiers: ClinVar variation 3237017 (VCV003237017.1), dbSNP rs587778863.